The following is an entry in ClinVar:

ClinVar aggregate classification (germline): Uncertain significance (1 of 4 stars; one submission).

Conditions:
Anauxetic dysplasia. Identifiers: Orphanet 93347, MedGen C1846796, MONDO:0011773.

Allele frequency attached by ClinVar (database versions not stated): gnomAD 0.00001; TOPMed 0.00001; gnomAD exomes 0.00002.

Submission:

Labcorp Genetics (formerly Invitae), Labcorp
Classification: Uncertain significance for Anauxetic dysplasia. Last evaluated: 2022-03-25. Review status: criteria provided, single submitter. Criteria: Invitae Variant Classification Sherloc (09022015). Collection method: clinical testing. Allele origin: germline.
Comment: This variant occurs in the RMRP gene, which encodes an RNA molecule that does not result in a protein product. This variant is present in population databases (no rsID available, gnomAD 0.02%). This variant has not been reported in the literature in individuals affected with RMRP-related conditions. In summary, the available evidence is currently insufficient to determine the role of this variant in disease. Therefore, it has been classified as a Variant of Uncertain Significance.

NC_000009.12:g.35657974_35657975insT

Gene: RMRP (RNA component of mitochondrial RNA processing endoribonuclease; minus strand). Cytogenetic location: 9p13.3.
Variant type: Insertion.
Genome position: GRCh38 VCF-style: chr9-35657974-G-GT. GRCh37 (hg19) VCF-style: chr9-35657971-G-GT.
Identifiers: ClinVar variation 2193731 (VCV002193731.1), dbSNP rs1183709679, ClinGen allele CA587570176.